The following is an entry in ClinVar:

NM_001165963.4(SCN1A):c.4466A>C (p.Gln1489Pro)

Genes: SCN1A (sodium voltage-gated channel alpha subunit 1; minus strand), LOC102724058 (uncharacterized LOC102724058; plus strand). Cytogenetic location: 2q24.3.
Variant type: single nucleotide variant.
Coding change: c.4466A>C on transcript NM_001165963.4 (MANE Select); coding-DNA position 4466, A replaced by C.
Protein change: p.Gln1489Pro; replaces glutamine 1489 with proline.
Molecular consequence: missense variant. On other transcripts: non-coding transcript variant (1).
Genome position (GRCh38, 1-based): chr2:165,998,048, T>G on the plus strand (A>C on the coding strand, the complement: SCN1A is on the minus strand). VCF-style: chr2-165998048-T-G. GRCh37 (hg19) VCF-style: chr2-166854558-T-G.
Other names: c.4466A>C, p.Gln1489Pro (NM_001353948.2, NM_001202435.3); c.4433A>C, p.Gln1478Pro (NM_001353949.2, NM_001353950.2, NM_001353951.2 and 2 more transcripts); c.4430A>C, p.Gln1477Pro (NM_001353954.2, NM_001353955.2); c.4382A>C, p.Gln1461Pro (NM_001353957.2, NM_001353958.2, NM_001165964.3); c.4379A>C, p.Gln1460Pro (NM_001353960.2); c.2024A>C, p.Gln675Pro (NM_001353961.2); short protein forms Q1460P, Q1461P, Q1477P, Q1478P, Q1489P, Q675P.
Identifiers: ClinVar variation 4855050 (VCV004855050.1).
Genomic context (GRCh38, chr2:165,998,048, plus strand): 5'-AAGGAATAATTTTCTATCTCAGTGGGAGAGAAAATATTAGAAATACTTATCTTCTTTTTC[T>G]GCTGGTTGAAATTATCTATGATGACACCAATAAACAGGTTCAAGGTGAAGAAGGACCCAA-3'
Protein context (NP_001159435.1, residues 1479-1499): IGVIIDNFNQ[Gln1489Pro]KKKFGGQDIF

ClinVar aggregate classification (germline): Uncertain significance (1 of 4 stars; one submission).

Conditions:
Migraine, familial hemiplegic, 3. Identifiers: Orphanet 569, MedGen C1864987, MONDO:0012320, OMIM 609634.

Submission:

3billion
Classification: Uncertain significance for Migraine, familial hemiplegic, 3. Last evaluated: 2025-10-20. Review status: criteria provided, single submitter. Criteria: ACMG Guidelines, 2015. Collection method: clinical testing. Allele origin: germline. Affected: yes.
Comment: The variant is not observed in the gnomAD v4.1.0 dataset. Predicted Consequence/Location: Missense variant In silico tool predictions suggest damaging effect of the variant on gene or gene product [REVEL: 0.97 (>=0.6, sensitivity 0.68 and specificity 0.92); 3Cnet: 0.99 (> 0.75, sensitivity 0.96 and precision 0.92)]. Different missense changes at the same codon (p.Gln1489Glu, p.Gln1489His, p.Gln1489Lys) have been reported to be associated with SCN1A-related disorder (ClinVar ID: VCV000012893, VCV000012903, VCV003634011 /PMID: 16054936, 19332696). However the evidence of pathogenicity is insufficient at this time. Therefore, this variant is classified as VUS according to the recommendation of ACMG/AMP guideline.

Literature cited by the submitters: PubMed 16054936.